The following is an entry in ClinVar:

NM_001375524.1(TRRAP):c.1813-52T>A

Gene: TRRAP (transformation/transcription domain associated protein; plus strand). Cytogenetic location: 7q22.1.
Variant type: single nucleotide variant.
Coding change: c.1813-52T>A on transcript NM_001375524.1 (MANE Select); 52 bases into the intron before coding-DNA position 1813, T replaced by A.
Molecular consequence: intron variant.
Genome position (GRCh38, 1-based): chr7:98,911,025, T>A. VCF-style: chr7-98911025-T-A. GRCh37 (hg19) VCF-style: chr7-98508648-T-A.
Other names: c.1813-52T>A (NM_001244580.2, NM_003496.4).
Identifiers: ClinVar variation 1687176 (VCV001687176.1), dbSNP rs2116411134, ClinGen allele CA2573142529.

ClinVar aggregate classification (germline): Likely pathogenic (1 of 4 stars; one submission).

Conditions:
Developmental delay with or without dysmorphic facies and autism. Identifiers: MedGen C5193106, MONDO:0032760, OMIM 618454.

Submission:

3billion
Classification: Likely pathogenic for Developmental delay with or without dysmorphic facies and autism. Last evaluated: 2022-05-22. Review status: criteria provided, single submitter. Criteria: ACMG Guidelines, 2015. Collection method: clinical testing. Allele origin: germline. Affected: yes. Observed: 1 heterozygote.
Comment: The variant was confirmed as de novo (3billion dataset). It is absent from the gnomAD v2.1.1 dataset. Therefore, this variant is classified as likely pathogenic according to the recommendation of ACMG/AMP guideline.